The following is an entry in ClinVar:

ClinVar aggregate classification (germline): Uncertain significance (1 of 4 stars; one submission).

Submission:

Ambry Genetics
Classification: Uncertain significance. Last evaluated: 2025-06-21. Review status: criteria provided, single submitter. Criteria: Ambry Variant Classification Scheme 2023. Collection method: clinical testing. Allele origin: germline.
Comment: The p.S333G variant (also known as c.997A>G), located in coding exon 1 of the CDK12 gene, results from an A to G substitution at nucleotide position 997. The serine at codon 333 is replaced by glycine, an amino acid with similar properties. This amino acid position is conserved. In addition, this alteration is predicted to be tolerated by in silico analysis. Based on the available evidence, the clinical significance of this variant remains unclear.

NM_016507.4(CDK12):c.997A>G (p.Ser333Gly)

Genes: CDK12 (cyclin dependent kinase 12; plus strand), LOC126862553 (CDK7 strongly-dependent group 2 enhancer GRCh37_chr17:37618166-37619365; plus strand). Cytogenetic location: 17q12.
Variant type: single nucleotide variant.
Coding change: c.997A>G on transcript NM_016507.4 (MANE Select); coding-DNA position 997, A replaced by G.
Protein change: p.Ser333Gly; replaces serine 333 with glycine.
Molecular consequence: missense variant.
Genome position (GRCh38, 1-based): chr17:39,463,068, A>G. VCF-style: chr17-39463068-A-G. GRCh37 (hg19) VCF-style: chr17-37619321-A-G.
Other names: c.997A>G, p.Ser333Gly (NM_015083.4); short protein forms S333G.
Identifiers: ClinVar variation 4224210 (VCV004224210.1).